The following is an entry in ClinVar:

ClinVar aggregate classification (germline): Uncertain significance. Review status: criteria provided, multiple submitters, no conflicts (2 of 4 stars). 2 submissions from 2 submitters: Uncertain significance (2). Last evaluated 2024-10-08.

Conditions:
Hereditary nonpolyposis colorectal neoplasms. Identifiers: MedGen C0009405, MeSH D003123.
Hereditary cancer-predisposing syndrome. Also called: Hereditary Cancer Syndrome; Neoplastic Syndromes, Hereditary; Tumor predisposition; Hereditary neoplastic syndrome. Identifiers: Orphanet 140162, MedGen C0027672, MeSH D009386, MONDO:0015356.

Submissions (2):

Ambry Genetics
Classification: Uncertain significance for Hereditary cancer-predisposing syndrome. Last evaluated: 2024-10-08. Review status: criteria provided, single submitter. Criteria: Ambry Variant Classification Scheme 2023. Collection method: clinical testing. Allele origin: germline.
Comment: The p.T542I variant (also known as c.1625C>T), located in coding exon 11 of the PMS2 gene, results from a C to T substitution at nucleotide position 1625. The threonine at codon 542 is replaced by isoleucine, an amino acid with similar properties. This amino acid position is conserved. In addition, this alteration is predicted to be tolerated by in silico analysis. Based on the available evidence, the clinical significance of this variant remains unclear.

Labcorp Genetics (formerly Invitae), Labcorp
Classification: Uncertain significance for Hereditary nonpolyposis colorectal neoplasms. Last evaluated: 2024-01-02. Review status: criteria provided, single submitter. Criteria: Invitae Variant Classification Sherloc (09022015). Collection method: clinical testing. Allele origin: germline.
Comment: This sequence change replaces threonine, which is neutral and polar, with isoleucine, which is neutral and non-polar, at codon 542 of the PMS2 protein (p.Thr542Ile). This variant is not present in population databases (gnomAD no frequency). This variant has not been reported in the literature in individuals affected with PMS2-related conditions. ClinVar contains an entry for this variant (Variation ID: 1978188). Advanced modeling of protein sequence and biophysical properties (such as structural, functional, and spatial information, amino acid conservation, physicochemical variation, residue mobility, and thermodynamic stability) performed at Invitae indicates that this missense variant is not expected to disrupt PMS2 protein function with a negative predictive value of 80%. In summary, the available evidence is currently insufficient to determine the role of this variant in disease. Therefore, it has been classified as a Variant of Uncertain Significance.

NM_000535.7(PMS2):c.1625C>T (p.Thr542Ile)

Gene: PMS2 (PMS1 homolog 2, mismatch repair system component; minus strand). Cytogenetic location: 7p22.1.
Variant type: single nucleotide variant.
Coding change: c.1625C>T on transcript NM_000535.7 (MANE Select); coding-DNA position 1625, C replaced by T.
Protein change: p.Thr542Ile; replaces threonine 542 with isoleucine.
Molecular consequence: missense variant. On other transcripts: non-coding transcript variant (1).
Genome position (GRCh38, 1-based): chr7:5,987,140, G>A on the plus strand (C>T on the coding strand, the complement: PMS2 is on the minus strand). VCF-style: chr7-5987140-G-A. GRCh37 (hg19) VCF-style: chr7-6026771-G-A.
Other names: c.1220C>T, p.Thr407Ile (NM_001018040.1, NM_001322003.2, NM_001322004.2 and 17 more transcripts); c.1469C>T, p.Thr490Ile (NM_001322006.2, NM_001406870.1); c.1307C>T, p.Thr436Ile (NM_001322007.2, NM_001322008.2, NM_001406876.1 and 2 more transcripts); c.1064C>T, p.Thr355Ile (NM_001322010.2, NM_001406906.1, NM_001406907.1); c.692C>T, p.Thr231Ile (NM_001322011.2, NM_001322012.2); c.1052C>T, p.Thr351Ile (NM_001322013.2, NM_001406909.1); c.1625C>T, p.Thr542Ile (NM_001322014.2, NM_001406871.1, NM_001406872.1); c.1316C>T, p.Thr439Ile (NM_001322015.2, NM_001406875.1, NM_001406877.1 and 5 more transcripts); and 12 more; short protein forms T351I, T355I, T420I, T434I, T285I, T387I, T430I, T439I.
Identifiers: ClinVar variation 1978188 (VCV001978188.6), dbSNP rs2535759942, ClinGen allele CA366741454.